The following is an entry in ClinVar:

ClinVar aggregate classification (germline): Uncertain significance (1 of 4 stars; one submission).

Conditions:
DYRK1A-related intellectual disability syndrome (MRD7). Also called: Intellectual developmental disorder, autosomal dominant 7; DYRK1A Syndrome. Identifiers: Orphanet 464306, MedGen C5568143, MONDO:0013578, OMIM 614104.

Submission:

Labcorp Genetics (formerly Invitae), Labcorp
Classification: Uncertain significance for DYRK1A-related intellectual disability syndrome. Last evaluated: 2023-06-03. Review status: criteria provided, single submitter. Criteria: Invitae Variant Classification Sherloc (09022015). Collection method: clinical testing. Allele origin: germline.
Comment: This variant has not been reported in the literature in individuals affected with DYRK1A-related conditions. Advanced modeling of protein sequence and biophysical properties (such as structural, functional, and spatial information, amino acid conservation, physicochemical variation, residue mobility, and thermodynamic stability) performed at Invitae indicates that this missense variant is not expected to disrupt DYRK1A protein function. This variant is not present in population databases (gnomAD no frequency). In summary, the available evidence is currently insufficient to determine the role of this variant in disease. Therefore, it has been classified as a Variant of Uncertain Significance. This sequence change replaces alanine, which is neutral and non-polar, with threonine, which is neutral and polar, at codon 548 of the DYRK1A protein (p.Ala548Thr).

NM_001347721.2(DYRK1A):c.1615G>A (p.Ala539Thr)

Gene: DYRK1A (dual specificity tyrosine phosphorylation regulated kinase 1A; plus strand). Cytogenetic location: 21q22.13.
Variant type: single nucleotide variant.
Coding change: c.1615G>A on transcript NM_001347721.2 (MANE Select); coding-DNA position 1615, G replaced by A.
Protein change: p.Ala539Thr; replaces alanine 539 with threonine.
Molecular consequence: missense variant. On other transcripts: intron variant (1).
Genome position (GRCh38, 1-based): chr21:37,506,194, G>A. VCF-style: chr21-37506194-G-A. GRCh37 (hg19) VCF-style: chr21-38878497-G-A.
Other names: c.1615G>A, p.Ala539Thr (NM_001347722.2, NM_130436.2); c.1528G>A, p.Ala510Thr (NM_001347723.2); c.1642G>A, p.Ala548Thr (NM_001396.5, NM_101395.2); c.1546+605G>A (NM_130438.2); short protein forms A510T, A539T, A548T.
Identifiers: ClinVar variation 2761373 (VCV002761373.3), dbSNP rs2518077490, ClinGen allele CA409938982.